The following is an entry in ClinVar:

ClinVar aggregate classification (germline): Uncertain significance (1 of 4 stars; one submission).

Conditions:
Peroxisome biogenesis disorder. Identifiers: Orphanet 79189, MedGen C1832200, MONDO:0019234. Disease mechanism: loss of function.

Submission:

Labcorp Genetics (formerly Invitae), Labcorp
Classification: Uncertain significance for Peroxisome biogenesis disorder. Last evaluated: 2024-08-13. Review status: criteria provided, single submitter. Criteria: Invitae Variant Classification Sherloc (09022015). Collection method: clinical testing. Allele origin: germline.
Comment: This sequence change replaces glycine, which is neutral and non-polar, with alanine, which is neutral and non-polar, at codon 314 of the PEX16 protein (p.Gly314Ala). This variant is not present in population databases (gnomAD no frequency). This variant has not been reported in the literature in individuals affected with PEX16-related conditions. Advanced modeling of protein sequence and biophysical properties (such as structural, functional, and spatial information, amino acid conservation, physicochemical variation, residue mobility, and thermodynamic stability) performed at Invitae indicates that this missense variant is expected to disrupt PEX16 protein function with a positive predictive value of 80%. In summary, the available evidence is currently insufficient to determine the role of this variant in disease. Therefore, it has been classified as a Variant of Uncertain Significance.

NM_004813.4(PEX16):c.941G>C (p.Gly314Ala)

Gene: PEX16 (peroxisomal biogenesis factor 16; minus strand). Cytogenetic location: 11p11.2.
Variant type: single nucleotide variant.
Coding change: c.941G>C on transcript NM_004813.4 (MANE Select); coding-DNA position 941, G replaced by C.
Protein change: p.Gly314Ala; replaces glycine 314 with alanine.
Molecular consequence: missense variant.
Genome position (GRCh38, 1-based): chr11:45,910,909, C>G on the plus strand (G>C on the coding strand, the complement: PEX16 is on the minus strand). VCF-style: chr11-45910909-C-G. GRCh37 (hg19) VCF-style: chr11-45932460-C-G.
Other names: c.941G>C, p.Gly314Ala (NM_057174.3); short protein forms G314A.
Identifiers: ClinVar variation 3650894 (VCV003650894.2).